The following is an entry in ClinVar:

NM_052874.5(STX1B):c.296T>C (p.Ile99Thr)

Gene: STX1B (syntaxin 1B; minus strand). Cytogenetic location: 16p11.2.
Variant type: single nucleotide variant.
Coding change: c.296T>C on transcript NM_052874.5 (MANE Select); coding-DNA position 296, T replaced by C.
Protein change: p.Ile99Thr; replaces isoleucine 99 with threonine.
Molecular consequence: missense variant.
Genome position (GRCh38, 1-based): chr16:30,997,560, A>G on the plus strand (T>C on the coding strand, the complement: STX1B is on the minus strand). VCF-style: chr16-30997560-A-G. GRCh37 (hg19) VCF-style: chr16-31008881-A-G.
Other names: short protein forms I99T.
Identifiers: ClinVar variation 2799493 (VCV002799493.3), dbSNP rs2543961168, ClinGen allele CA395649811.
Genomic context (GRCh38, chr16:30,997,560, plus strand): 5'-ACCTGGGTCTTGCGGATGCGCAGGTCCGCGGAGGAACGGTTCAGCCCCTCCTCCTGTTCA[A>G]TGCTTTGCTCGATCGCTGCGGGAGAGAGGGCGCAGCGATGGGCGGGAGACCCGGGGCACA-3'
Protein context (NP_443106.1, residues 89-109): RSKLKAIEQS[Ile99Thr]EQEEGLNRSS

ClinVar aggregate classification (germline): Uncertain significance (1 of 4 stars; one submission).

Conditions:
Generalized epilepsy with febrile seizures plus, type 9 (GEFSP9). Also called: GEFS+, TYPE 9. Identifiers: Orphanet 36387, MedGen C4015395, MONDO:0014517, OMIM 616172.

Allele frequency attached by ClinVar (database versions not stated): gnomAD exomes below 0.00001.
gnomAD v4.1: 1 of 1,610,164 alleles (0.000062%); highest among the groups gnomAD compares: Non-Finnish European, 0.000085%; no homozygotes.

Submission:

Labcorp Genetics (formerly Invitae), Labcorp
Classification: Uncertain significance for Generalized epilepsy with febrile seizures plus, type 9. Last evaluated: 2024-05-15. Review status: criteria provided, single submitter. Criteria: Invitae Variant Classification Sherloc (09022015). Collection method: clinical testing. Allele origin: germline.
Comment: This sequence change replaces isoleucine, which is neutral and non-polar, with threonine, which is neutral and polar, at codon 99 of the STX1B protein (p.Ile99Thr). This variant is not present in population databases (gnomAD no frequency). This variant has not been reported in the literature in individuals affected with STX1B-related conditions. Advanced modeling of protein sequence and biophysical properties (such as structural, functional, and spatial information, amino acid conservation, physicochemical variation, residue mobility, and thermodynamic stability) performed at Invitae indicates that this missense variant is not expected to disrupt STX1B protein function with a negative predictive value of 80%. In summary, the available evidence is currently insufficient to determine the role of this variant in disease. Therefore, it has been classified as a Variant of Uncertain Significance.